The following is an entry in ClinVar:

NM_006941.4(SOX10):c.1338del (p.Gln448fs)

Genes: POLR2F (RNA polymerase II, I and III subunit F; plus strand), SOX10 (SRY-box transcription factor 10; minus strand). Cytogenetic location: 22q13.1.
Variant type: Deletion.
Coding change: c.1338del on transcript NM_006941.4 (MANE Select); coding-DNA position 1338, one base deleted (G; older notation c.1338delG).
Protein change: p.Gln448fs; shifts the reading frame from glutamine 448.
Molecular consequence: frameshift variant. On other transcripts: intron variant (3).
Genome position (GRCh38, 1-based): chr22:37,973,558, C deleted on the plus strand (G on the coding strand, the reverse complement: SOX10 is on the minus strand); the first of 3 consecutive C bases (chr22:37,973,558-37,973,560); deleting any one gives the same sequence. VCF-style (leftmost placement, unchanged base first): chr22-37973557-GC-G. GRCh37 (hg19) VCF-style: chr22-38369564-GC-G.
Other names: c.*38+1250del (NM_001363825.1); c.293+6390del (NM_001301130.2, NM_001301131.2); short protein forms Q448fs.
Identifiers: ClinVar variation 3601810 (VCV003601810.1).

ClinVar aggregate classification (germline): Pathogenic (1 of 4 stars; one submission).

Conditions:
Waardenburg syndrome type 4C (WS4C). Also called: WAARDENBURG SYNDROME WITH HIRSCHSPRUNG DISEASE, TYPE 4C. Identifiers: Orphanet 897, MedGen C2750452, MONDO:0013202, OMIM 613266.

Submission:

Institute of Rare Diseases, West China Hospital, Sichuan University
Classification: Pathogenic for Waardenburg syndrome type 4C. Last evaluated: 2025-01-09. Review status: criteria provided, single submitter. Criteria: ClinGen HL ACMG Specifications v1. Collection method: research. Allele origin: germline. Affected: yes.
Comment: PM1;PVS1;PS2;PP4;PM2_Supporting